The following is an entry in ClinVar:

ClinVar aggregate classification (germline): Uncertain significance (1 of 4 stars; one submission).

Conditions:
Hereditary cancer-predisposing syndrome. Also called: Tumor predisposition; Hereditary Cancer Syndrome; Hereditary neoplastic syndrome; Neoplastic Syndromes, Hereditary. Identifiers: Orphanet 140162, MedGen C0027672, MeSH D009386, MONDO:0015356.

Submission:

Ambry Genetics
Classification: Uncertain significance for Hereditary cancer-predisposing syndrome. Last evaluated: 2023-06-18. Review status: criteria provided, single submitter. Criteria: Ambry Variant Classification Scheme 2023. Collection method: clinical testing. Allele origin: germline.
Comment: The p.V196I variant (also known as c.586G>A), located in coding exon 5 of the POT1 gene, results from a G to A substitution at nucleotide position 586. The valine at codon 196 is replaced by isoleucine, an amino acid with highly similar properties. This amino acid position is conserved. In addition, this alteration is predicted to be tolerated by in silico analysis. Since supporting evidence is limited at this time, the clinical significance of this alteration remains unclear.

NM_015450.3(POT1):c.586G>A (p.Val196Ile)

Gene: POT1 (protection of telomeres 1; minus strand). Cytogenetic location: 7q31.33.
Variant type: single nucleotide variant.
Coding change: c.586G>A on transcript NM_015450.3 (MANE Select); coding-DNA position 586, G replaced by A.
Protein change: p.Val196Ile; replaces valine 196 with isoleucine.
Molecular consequence: missense variant. On other transcripts: non-coding transcript variant (3).
Genome position (GRCh38, 1-based): chr7:124,859,073, C>T on the plus strand (G>A on the coding strand, the complement: POT1 is on the minus strand). VCF-style: chr7-124859073-C-T. GRCh37 (hg19) VCF-style: chr7-124499127-C-T.
Other names: c.193G>A, p.Val65Ile (NM_001042594.2); short protein forms V196I, V65I.
Identifiers: ClinVar variation 2624665 (VCV002624665.2), dbSNP rs2116526312, ClinGen allele CA369056695.
Genomic context (GRCh38, chr7:124,859,073, plus strand): 5'-GATTTTGTAGCCGATGGATGTGACTTAAATCACCTTCAAGAACAAGGTCTTGTATTAAGA[C>T]TCTCCAAGATGGAAATGGTGTCCTGGTGCCATCCCATACCTGCCATAAGAGAGTAGAGTA-3'
Protein context (NP_056265.2, residues 186-206): GTRTPFPSWR[Val196Ile]LIQDLVLEGD